The following is an entry in ClinVar:

ClinVar aggregate classification (germline): Likely pathogenic (1 of 4 stars; one submission).

Conditions:
Congenital dyserythropoietic anemia, type II (CDAN2). Also called: DYSERYTHROPOIETIC ANEMIA, HEMPAS TYPE. Identifiers: Orphanet 98873, MedGen C1306589, MONDO:0009134, OMIM 224100.
Cowden syndrome 7 (CWS7). Identifiers: Orphanet 201, MedGen C4225179, MONDO:0014802, OMIM 616858.

Submission:

Juno Genomics, Hangzhou Juno Genomics, Inc
Classification: Likely pathogenic for Cowden syndrome 7; Congenital dyserythropoietic anemia, type II. Review status: criteria provided, single submitter. Criteria: ACMG Guidelines, 2015. Collection method: clinical testing. Allele origin: germline.
Comment: Null variant in a gene where loss of function (LOF) is a known mechanism of disease.;Absent from controls (or at extremely low frequency if recessive) in Genome Aggregation Database.

NM_006363.6(SEC23B):c.1432dup (p.Arg478fs)

Gene: SEC23B (SEC23 homolog B, COPII component; plus strand). Cytogenetic location: 20p11.23.
Variant type: Duplication.
Coding change: c.1432dup on transcript NM_006363.6 (MANE Select); coding-DNA position 1432, one base duplicated (A; older notation c.1432dupA).
Protein change: p.Arg478fs; shifts the reading frame from arginine 478.
Molecular consequence: frameshift variant.
Genome position (GRCh38, 1-based): chr20:18,542,323, A duplicated. VCF-style (leftmost placement, unchanged base first): chr20-18542322-C-CA. GRCh37 (hg19) VCF-style: chr20-18522966-C-CA.
Other names: c.1432dup, p.Arg478fs (NM_001172745.3, NM_032985.6, NM_032986.5); c.1378dup, p.Arg460fs (NM_001172746.3); short protein forms R478fs, R460fs.
Identifiers: ClinVar variation 5006358 (VCV005006358.2).